The following is an entry in ClinVar:

ClinVar aggregate classification (germline): Likely pathogenic (1 of 4 stars; one submission).

Submission:

GeneDx
Classification: Likely pathogenic. Last evaluated: 2016-07-08. Review status: criteria provided, single submitter. Criteria: GeneDx Variant Classification (06012015). Collection method: clinical testing. Allele origin: germline. Affected: yes.
Comment: The R207K variant in the NLRC4 gene has not been reported previously as a pathogenic variant, nor as a benign variant, to our knowledge. The R207K variant was not observed in approximately 6500 individuals of European and African American ancestry in the NHLBI Exome Sequencing Project, indicating it is not a common benign variant in these populations. The R207K variant is a conservative amino acid substitution, which is not likely to impact secondary protein structure as these residues share similar properties. This substitution occurs at a position that is not conserved. In silico analysis predicts this variant likely does not alter the protein structure/function. The R207K variant is a strong candidate for a pathogenic variant

NM_001199138.2(NLRC4):c.620G>A (p.Arg207Lys)

Gene: NLRC4 (NLR family CARD domain containing 4; minus strand). Cytogenetic location: 2p22.3.
Variant type: single nucleotide variant.
Coding change: c.620G>A on transcript NM_001199138.2 (MANE Select); coding-DNA position 620, G replaced by A.
Protein change: p.Arg207Lys; replaces arginine 207 with lysine.
Molecular consequence: missense variant. On other transcripts: intron variant (1).
Genome position (GRCh38, 1-based): chr2:32,251,244, C>T on the plus strand (G>A on the coding strand, the complement: NLRC4 is on the minus strand). VCF-style: chr2-32251244-C-T. GRCh37 (hg19) VCF-style: chr2-32476313-C-T.
Other names: c.620G>A, p.Arg207Lys (NM_001199139.2, NM_021209.5); c.262+1175G>A (NM_001302504.1); short protein forms R207K.
Identifiers: ClinVar variation 421649 (VCV000421649.2), dbSNP rs1064795274, ClinGen allele CA16617533.